The following is an entry in ClinVar:

NM_015046.7(SETX):c.2284A>C (p.Asn762His)

Gene: SETX (senataxin; minus strand). Cytogenetic location: 9q34.13.
Variant type: single nucleotide variant.
Coding change: c.2284A>C on transcript NM_015046.7 (MANE Select); coding-DNA position 2284, A replaced by C.
Protein change: p.Asn762His; replaces asparagine 762 with histidine.
Molecular consequence: missense variant.
Genome position (GRCh38, 1-based): chr9:132,329,314, T>G on the plus strand (A>C on the coding strand, the complement: SETX is on the minus strand). VCF-style: chr9-132329314-T-G. GRCh37 (hg19) VCF-style: chr9-135204701-T-G.
Other names: c.2284A>C, p.Asn762His (NM_001351527.2, NM_001351528.2); short protein forms N762H.
Identifiers: ClinVar variation 3748311 (VCV003748311.2).
Genomic context (GRCh38, chr9:132,329,314, plus strand): 5'-CCTTAGTTTTTCGTTTTGAGGTTTTAGCAAGAGCATCATCCTTTAAAGAGAAATCTTCAT[T>G]CGATGTGGACACTTTTTCCAAAGCATCAGTGCTAGAATCAGTCAACAAACGTGTTGATAC-3'
Protein context (NP_055861.3, residues 752-772): TDALEKVSTS[Asn762His]EDFSLKDDAL

ClinVar aggregate classification (germline): Uncertain significance (1 of 4 stars; one submission).

Conditions:
Amyotrophic lateral sclerosis type 4 (ALS4). Also called: NEURONOPATHY, DISTAL HEREDITARY MOTOR, WITH PYRAMIDAL FEATURES; AMYOTROPHIC LATERAL SCLEROSIS 4, JUVENILE. Identifiers: Orphanet 357043, MedGen C1865409, MONDO:0011223, OMIM 602433.
Spinocerebellar ataxia, autosomal recessive, with axonal neuropathy 2 (SCAN2). Also called: Ataxia with Oculomotor Apraxia Type 2; ATAXIA-OCULOMOTOR APRAXIA 2; Ataxia-ocular apraxia-2; Ataxia with Oculomotor Apraxia. Identifiers: Orphanet 64753, MedGen C1853761, MONDO:0018996, OMIM 606002.

Submission:

Labcorp Genetics (formerly Invitae), Labcorp
Classification: Uncertain significance for Amyotrophic lateral sclerosis type 4; Spinocerebellar ataxia, autosomal recessive, with axonal neuropathy 2. Last evaluated: 2024-11-02. Review status: criteria provided, single submitter. Criteria: Invitae Variant Classification Sherloc (09022015). Collection method: clinical testing. Allele origin: germline.
Comment: This sequence change replaces asparagine, which is neutral and polar, with histidine, which is basic and polar, at codon 762 of the SETX protein (p.Asn762His). This variant is not present in population databases (gnomAD no frequency). This variant has not been reported in the literature in individuals affected with SETX-related conditions. Invitae Evidence Modeling of protein sequence and biophysical properties (such as structural, functional, and spatial information, amino acid conservation, physicochemical variation, residue mobility, and thermodynamic stability) indicates that this missense variant is not expected to disrupt SETX protein function with a negative predictive value of 95%. In summary, the available evidence is currently insufficient to determine the role of this variant in disease. Therefore, it has been classified as a Variant of Uncertain Significance.